The following is an entry in ClinVar:

ClinVar aggregate classification (germline): Pathogenic (1 of 4 stars; one submission).

Conditions:
Maple syrup urine disease (MSUD). Identifiers: Orphanet 511, MedGen C0024776, MeSH D008375, MONDO:0009563. Disease mechanism: loss of function.

Submission:

Labcorp Genetics (formerly Invitae), Labcorp
Classification: Pathogenic for Maple syrup urine disease. Last evaluated: 2021-09-21. Review status: criteria provided, single submitter. Criteria: Invitae Variant Classification Sherloc (09022015). Collection method: clinical testing. Allele origin: germline.
Comment: For these reasons, this variant has been classified as Pathogenic. This variant has not been reported in the literature in individuals affected with BCKDHA-related conditions. This variant is a gross deletion of the genomic region encompassing exon(s) 1-3 of the BCKDHA gene, which includes the initiator codon. This deletion extends beyond the assayed region for this gene and therefore may encompass additional genes. It is expected to result in an absent or disrupted protein product. Loss-of-function variants in BCKDHA are known to be pathogenic (PMID: 16786533, 22593002).

Literature cited by the submitters: PubMed 16786533; PubMed 22593002.

NC_000019.9:g.(?_41903723)_(41916924_?)del

Gene: BCKDHA (branched chain keto acid dehydrogenase E1 subunit alpha; plus strand). Cytogenetic location: 19q13.2.
Variant type: Deletion.
Identifiers: ClinVar variation 1406283 (VCV001406283.4).